The following is an entry in ClinVar:

NM_005548.3(KARS1):c.250A>G (p.Ile84Val)

Gene: KARS1 (lysyl-tRNA synthetase 1; minus strand). Cytogenetic location: 16q23.1.
Variant type: single nucleotide variant.
Coding change: c.250A>G on transcript NM_005548.3 (MANE Select); coding-DNA position 250, A replaced by G.
Protein change: p.Ile84Val; replaces isoleucine 84 with valine.
Molecular consequence: missense variant. On other transcripts: 5 prime UTR variant (1).
Genome position (GRCh38, 1-based): chr16:75,640,322, T>C on the plus strand (A>G on the coding strand, the complement: KARS1 is on the minus strand). VCF-style: chr16-75640322-T-C. GRCh37 (hg19) VCF-style: chr16-75674220-T-C.
Other names: c.334A>G, p.Ile112Val (NM_001130089.2); c.-219A>G (NM_001378148.1); short protein forms I112V, I84V.
Identifiers: ClinVar variation 2417940 (VCV002417940.10), dbSNP rs746531354, ClinGen allele CA8177684.

ClinVar aggregate classification (germline): Conflicting classifications of pathogenicity. Review status: criteria provided, conflicting classifications (1 of 4 stars). 3 submissions from 3 submitters: Uncertain significance (2); Likely benign (1). Last evaluated 2025-03-03.

Allele frequency attached by ClinVar (database versions not stated): ExAC 0.00002; gnomAD exomes 0.00002; gnomAD 0.00003.
gnomAD v4.1: 40 of 1,613,068 alleles (0.0025%); highest among the groups gnomAD compares: Middle Eastern, 0.034%; no homozygotes.

Submissions (3):

GeneDx
Classification: Uncertain significance. Last evaluated: 2025-03-03. Review status: criteria provided, single submitter. Criteria: GeneDx Variant Classification Process June 2021. Collection method: clinical testing. Allele origin: germline. Affected: yes.
Comment: In silico analysis indicates that this missense variant does not alter protein structure/function; Has not been previously published as pathogenic or benign to our knowledge

Labcorp Genetics (formerly Invitae), Labcorp
Classification: Uncertain significance. Last evaluated: 2023-10-13. Review status: criteria provided, single submitter. Criteria: Invitae Variant Classification Sherloc (09022015). Collection method: clinical testing. Allele origin: germline.
Comment: This sequence change replaces isoleucine, which is neutral and non-polar, with valine, which is neutral and non-polar, at codon 112 of the KARS protein (p.Ile112Val). This variant is present in population databases (rs746531354, gnomAD 0.008%). This variant has not been reported in the literature in individuals affected with KARS-related conditions. ClinVar contains an entry for this variant (Variation ID: 2417940). Algorithms developed to predict the effect of missense changes on protein structure and function output the following: SIFT: "Not Available"; PolyPhen-2: "Benign"; Align-GVGD: "Not Available". The valine amino acid residue is found in multiple mammalian species, which suggests that this missense change does not adversely affect protein function. In summary, the available evidence is currently insufficient to determine the role of this variant in disease. Therefore, it has been classified as a Variant of Uncertain Significance.

Ambry Genetics
Classification: Likely benign. Last evaluated: 2023-03-15. Review status: criteria provided, single submitter. Criteria: Ambry Variant Classification Scheme 2023. Collection method: clinical testing. Allele origin: germline.